The following is an entry in ClinVar:

NM_001042432.2(CLN3):c.784A>G (p.Lys262Glu)

Gene: CLN3 (CLN3 lysosomal/endosomal transmembrane protein, battenin; minus strand). Cytogenetic location: 16p12.1.
Variant type: single nucleotide variant.
Coding change: c.784A>G on transcript NM_001042432.2 (MANE Select); coding-DNA position 784, A replaced by G.
Protein change: p.Lys262Glu; replaces lysine 262 with glutamic acid.
Molecular consequence: missense variant.
Genome position (GRCh38, 1-based): chr16:28,484,012, T>C on the plus strand (A>G on the coding strand, the complement: CLN3 is on the minus strand). VCF-style: chr16-28484012-T-C. GRCh37 (hg19) VCF-style: chr16-28495333-T-C.
Other names: c.784A>G, p.Lys262Glu (NM_000086.2); c.712A>G, p.Lys238Glu (NM_001286104.2); c.484A>G, p.Lys162Glu (NM_001286105.2); c.550A>G, p.Lys184Glu (NM_001286109.2); c.622A>G, p.Lys208Glu (NM_001286110.2); short protein forms K162E, K238E, K184E, K262E, K208E.
Identifiers: ClinVar variation 2100319 (VCV002100319.1), dbSNP rs1064794233, ClinGen allele CA395344702.

ClinVar aggregate classification (germline): Uncertain significance (1 of 4 stars; one submission).

Conditions:
Neuronal ceroid lipofuscinosis. Also called: Neuronal Ceroid Lipofuscinoses. Identifiers: Orphanet 216, Orphanet 79263, MedGen C0027877, MONDO:0016295. Disease mechanism: loss of function.

Submission:

Labcorp Genetics (formerly Invitae), Labcorp
Classification: Uncertain significance for Neuronal ceroid lipofuscinosis. Last evaluated: 2022-03-03. Review status: criteria provided, single submitter. Criteria: Invitae Variant Classification Sherloc (09022015). Collection method: clinical testing. Allele origin: germline.
Comment: This sequence change replaces lysine, which is basic and polar, with glutamic acid, which is acidic and polar, at codon 262 of the CLN3 protein (p.Lys262Glu). This variant is not present in population databases (gnomAD no frequency). This variant has not been reported in the literature in individuals affected with CLN3-related conditions. Algorithms developed to predict the effect of missense changes on protein structure and function (SIFT, PolyPhen-2, Align-GVGD) all suggest that this variant is likely to be tolerated. In summary, the available evidence is currently insufficient to determine the role of this variant in disease. Therefore, it has been classified as a Variant of Uncertain Significance.